The following is an entry in ClinVar:

ClinVar aggregate classification (germline): Uncertain significance (1 of 4 stars; one submission).

Conditions:
Bardet-Biedl syndrome 2 (BBS2). Identifiers: Orphanet 110, MedGen C2936863, MONDO:0014432, OMIM 615981.

gnomAD v4.1: 1 of 1,613,820 alleles (0.000062%); no homozygotes.

Submission:

Diagnostics Services (NGS), CSIR - Centre For Cellular And Molecular Biology
Classification: Uncertain significance for Bardet-Biedl syndrome 2. Last evaluated: 2025-07-21. Review status: criteria provided, single submitter. Criteria: ACMG Guidelines, 2015. Collection method: clinical testing. Allele origin: germline. Affected: yes. Observed: 1 variant allele, 1 homozygote.
Comment: The c.346G>T variant is not present in publicly available population databases like 1000 Genomes, EVS, Indian Exome Database or our internal database. The variant is present in gnomAD and at low frequencies. This variant has neither been reported in the literature in individuals affected with BBS2-related conditions nor reported to the clinical databases like Human Genome Mutation Database (HGMD), ClinVar or OMIM, in any affected individuals. In-silico pathogenicity prediction programs like MutationTaster2, CADD etc predicted this variant to be likely deleterious; however, these predictions were not confirmed by any published functional studies.

NM_031885.5(BBS2):c.346G>T (p.Val116Leu)

Gene: BBS2 (Bardet-Biedl syndrome 2; minus strand). Cytogenetic location: 16q13.
Variant type: single nucleotide variant.
Coding change: c.346G>T on transcript NM_031885.5 (MANE Select); coding-DNA position 346, G replaced by T.
Protein change: p.Val116Leu; replaces valine 116 with leucine.
Molecular consequence: missense variant. On other transcripts: non-coding transcript variant (5).
Genome position (GRCh38, 1-based): chr16:56,511,284, C>A on the plus strand (G>T on the coding strand, the complement: BBS2 is on the minus strand). VCF-style: chr16-56511284-C-A. GRCh37 (hg19) VCF-style: chr16-56545196-C-A.
Other names: c.346G>T, p.Val116Leu (NM_001377456.1); short protein forms V116L.
Identifiers: ClinVar variation 4070942 (VCV004070942.1).
Genomic context (GRCh38, chr16:56,511,284, plus strand): 5'-CAAGAGGGGAAGAAATGTCTCCCAATGTCCCCAGCACAATTGCATTTGCCCCATCTGCTA[C>A]CTAAGAAAAGTAAAAGGACACATTATCTTAGACACGATAATATGCAGGCCCACATATTAA-3'
Protein context (NP_114091.4, residues 106-126): YNNSDLFYRE[Val116Leu]ADGANAIVLG